The following is an entry in ClinVar:

ClinVar aggregate classification (germline): Uncertain significance. Review status: criteria provided, multiple submitters, no conflicts (2 of 4 stars). 3 submissions from 3 submitters: Uncertain significance (3). Last evaluated 2024-07-20.

Allele frequency attached by ClinVar (database versions not stated): gnomAD 0.00013.

Submissions (3):

Labcorp Genetics (formerly Invitae), Labcorp
Classification: Uncertain significance. Last evaluated: 2024-07-20. Review status: criteria provided, single submitter. Criteria: Invitae Variant Classification Sherloc (09022015). Collection method: clinical testing. Allele origin: germline.
Comment: This sequence change replaces serine, which is neutral and polar, with cysteine, which is neutral and slightly polar, at codon 394 of the RECQL protein (p.Ser394Cys). This variant is present in population databases (no rsID available, gnomAD 0.03%). This variant has not been reported in the literature in individuals affected with RECQL-related conditions. ClinVar contains an entry for this variant (Variation ID: 1314406). Advanced modeling of protein sequence and biophysical properties (such as structural, functional, and spatial information, amino acid conservation, physicochemical variation, residue mobility, and thermodynamic stability) performed at Invitae indicates that this missense variant is expected to disrupt RECQL protein function with a positive predictive value of 80%. In summary, the available evidence is currently insufficient to determine the role of this variant in disease. Therefore, it has been classified as a Variant of Uncertain Significance.

Ambry Genetics
Classification: Uncertain significance. Last evaluated: 2023-11-18. Review status: criteria provided, single submitter. Criteria: Ambry Variant Classification Scheme 2023. Collection method: clinical testing. Allele origin: germline.
Comment: The p.S394C variant (also known as c.1181C>G), located in coding exon 9 of the RECQL gene, results from a C to G substitution at nucleotide position 1181. The serine at codon 394 is replaced by cysteine, an amino acid with dissimilar properties. This amino acid position is conserved. In addition, this alteration is predicted to be deleterious by in silico analysis. Since supporting evidence is limited at this time, the clinical significance of this alteration remains unclear.

GeneDx
Classification: Uncertain significance. Last evaluated: 2021-03-30. Review status: criteria provided, single submitter. Criteria: GeneDx Variant Classification Process June 2021. Collection method: clinical testing. Allele origin: germline. Affected: yes.
Comment: In silico analysis supports that this missense variant has a deleterious effect on protein structure/function; Has not been previously published as pathogenic or benign to our knowledge

NM_002907.4(RECQL):c.1181C>G (p.Ser394Cys)

Gene: RECQL (RecQ like helicase; minus strand). Cytogenetic location: 12p12.1.
Variant type: single nucleotide variant.
Coding change: c.1181C>G on transcript NM_002907.4 (MANE Select); coding-DNA position 1181, C replaced by G.
Protein change: p.Ser394Cys; replaces serine 394 with cysteine.
Molecular consequence: missense variant.
Genome position (GRCh38, 1-based): chr12:21,475,503, G>C on the plus strand (C>G on the coding strand, the complement: RECQL is on the minus strand). VCF-style: chr12-21475503-G-C. GRCh37 (hg19) VCF-style: chr12-21628437-G-C.
Other names: c.1181C>G, p.Ser394Cys (NM_032941.3); short protein forms S394C.
Identifiers: ClinVar variation 1314406 (VCV001314406.6), dbSNP rs775276234, ClinGen allele CA384119446.